The following is an entry in ClinVar:

ClinVar aggregate classification (germline): Uncertain significance (1 of 4 stars; one submission).

Submission:

GeneDx
Classification: Uncertain significance. Last evaluated: 2025-04-14. Review status: criteria provided, single submitter. Criteria: GeneDx Variant Classification Process June 2021. Collection method: clinical testing. Allele origin: germline. Affected: yes.
Comment: Not observed at significant frequency in large population cohorts (gnomAD); In silico analysis supports that this missense variant has a deleterious effect on protein structure/function; Has not been previously published as pathogenic or benign to our knowledge

NM_001282597.3(CTNNA2):c.1397C>A (p.Ala466Asp)

Gene: CTNNA2 (catenin alpha 2; plus strand). Cytogenetic location: 2p12.
Variant type: single nucleotide variant.
Coding change: c.1397C>A on transcript NM_001282597.3 (MANE Select); coding-DNA position 1397, C replaced by A.
Protein change: p.Ala466Asp; replaces alanine 466 with aspartic acid.
Molecular consequence: missense variant.
Genome position (GRCh38, 1-based): chr2:80,545,920, C>A. VCF-style: chr2-80545920-C-A. GRCh37 (hg19) VCF-style: chr2-80773045-C-A.
Other names: c.1499C>A, p.Ala500Asp (NM_001282598.2); c.434C>A, p.Ala145Asp (NM_001282599.2); c.293C>A, p.Ala98Asp (NM_001282600.2, NM_001320810.2); c.1397C>A, p.Ala466Asp (NM_001399737.1, NM_004389.4, NM_001164883.2); short protein forms A145D, A466D, A500D, A98D.
Identifiers: ClinVar variation 4282166 (VCV004282166.1).